The following is an entry in ClinVar:

NM_000548.5(TSC2):c.3092C>T (p.Ala1031Val)

Gene: TSC2 (TSC complex subunit 2; plus strand). Cytogenetic location: 16p13.3.
Variant type: single nucleotide variant.
Coding change: c.3092C>T on transcript NM_000548.5 (MANE Select); coding-DNA position 3092, C replaced by T.
Protein change: p.Ala1031Val; replaces alanine 1031 with valine.
Molecular consequence: missense variant.
Genome position (GRCh38, 1-based): chr16:2,079,157, C>T. VCF-style: chr16-2079157-C-T. GRCh37 (hg19) VCF-style: chr16-2129158-C-T.
Other names: c.2960C>T, p.Ala987Val (NM_001077183.3, NM_001370404.1); c.3092C>T, p.Ala1031Val (NM_001114382.3); c.2852C>T, p.Ala951Val (NM_001318827.2); c.2816C>T, p.Ala939Val (NM_001318829.2); c.3092C>T (NM_000548.3); c.2360C>T, p.Ala787Val (NM_001318831.2); c.2993C>T, p.Ala998Val (NM_001318832.2); c.2963C>T, p.Ala988Val (NM_001363528.2, NM_001370405.1, NM_021055.3); short protein forms A951V, A988V, A1031V, A939V, A987V, A998V, A787V.
Identifiers: ClinVar variation 1475917 (VCV001475917.9), dbSNP rs2151433942, ClinGen allele CA394284685.
Genomic context (GRCh38, chr16:2,079,157, plus strand): 5'-CTGACGATAGCCTGAAAAACCTCCACCTGGAGCTCACGGAAACCTGTCTGGACATGATGG[C>T]TCGATACGTCTTCTCCAACTTCACGGCTGTCCCGAAGAGGTCCAGGCGGCACTACAGGGC-3'
Protein context (NP_000539.2, residues 1021-1041): ELTETCLDMM[Ala1031Val]RYVFSNFTAV

ClinVar aggregate classification (germline): Uncertain significance. Review status: criteria provided, multiple submitters, no conflicts (2 of 4 stars). 2 submissions from 2 submitters: Uncertain significance (2). Last evaluated 2025-05-16.

Conditions:
Tuberous sclerosis 2 (TSC2). Identifiers: Orphanet 805, MedGen C1860707, MONDO:0013199, OMIM 613254.

gnomAD v4.1: 1 of 1,613,026 alleles (0.000062%); highest among the groups gnomAD compares: Non-Finnish European, 0.000085%; no homozygotes.

Submissions (2):

GeneDx
Classification: Uncertain significance. Last evaluated: 2025-05-16. Review status: criteria provided, single submitter. Criteria: GeneDx Variant Classification Process June 2021. Collection method: clinical testing. Allele origin: germline. Affected: yes.
Comment: Not observed at significant frequency in large population cohorts (gnomAD); In silico analysis supports that this missense variant has a deleterious effect on protein structure/function; In silico analysis supports a deleterious effect on splicing; Has not been previously published as pathogenic or benign to our knowledge

Labcorp Genetics (formerly Invitae), Labcorp
Classification: Uncertain significance for Tuberous sclerosis 2. Last evaluated: 2021-03-08. Review status: criteria provided, single submitter. Criteria: Invitae Variant Classification Sherloc (09022015). Collection method: clinical testing. Allele origin: germline.
Comment: This sequence change replaces alanine with valine at codon 1031 of the TSC2 protein (p.Ala1031Val). The alanine residue is highly conserved and there is a small physicochemical difference between alanine and valine. This variant is not present in population databases (ExAC no frequency). This variant has not been reported in the literature in individuals with TSC2-related conditions. Advanced modeling of protein sequence and biophysical properties (such as structural, functional, and spatial information, amino acid conservation, physicochemical variation, residue mobility, and thermodynamic stability) performed at Invitae indicates that this missense variant is not expected to disrupt TSC2 protein function. Algorithms developed to predict the effect of sequence changes on RNA splicing suggest that this variant may create or strengthen a splice site, but this prediction has not been confirmed by published transcriptional studies. In summary, the available evidence is currently insufficient to determine the role of this variant in disease. Therefore, it has been classified as a Variant of Uncertain Significance.